The following is an entry in ClinVar:

ClinVar aggregate classification (germline): Uncertain significance. Review status: criteria provided, multiple submitters, no conflicts (2 of 4 stars). 2 submissions from 2 submitters: Uncertain significance (2). Last evaluated 2025-11-23.

Conditions:
Inborn genetic diseases. Identifiers: MedGen C0950123, MeSH D030342.
Pulmonary fibrosis and/or bone marrow failure, Telomere-related, 3. Also called: PULMONARY FIBROSIS AND/OR BONE MARROW FAILURE SYNDROME, TELOMERE-RELATED, 3. Identifiers: Orphanet 2032, MedGen C4225346, MONDO:0014613, OMIM 616373.
Dyskeratosis congenita, autosomal recessive 5 (DKCB5). Identifiers: MedGen C3554656, MONDO:0014076, OMIM 615190.

Submissions (2):

Ambry Genetics
Classification: Uncertain significance for Inborn genetic diseases. Last evaluated: 2025-11-23. Review status: criteria provided, single submitter. Criteria: Ambry Variant Classification Scheme 2023. Collection method: clinical testing. Allele origin: germline.
Comment: The p.R895W variant (also known as c.2683A>T), located in coding exon 28 of the RTEL1 gene, results from an A to T substitution at nucleotide position 2683. The arginine at codon 895 is replaced by tryptophan, an amino acid with dissimilar properties. This amino acid position is conserved. In addition, this alteration is predicted to be tolerated by in silico analysis. Based on the available evidence, the clinical significance of this variant remains unclear.

Labcorp Genetics (formerly Invitae), Labcorp
Classification: Uncertain significance for Dyskeratosis congenita, autosomal recessive 5; Pulmonary fibrosis and/or bone marrow failure, Telomere-related, 3. Last evaluated: 2025-06-04. Review status: criteria provided, single submitter. Criteria: Invitae Variant Classification Sherloc (09022015). Collection method: clinical testing. Allele origin: germline.
Comment: This sequence change replaces arginine, which is basic and polar, with tryptophan, which is neutral and slightly polar, at codon 895 of the RTEL1 protein (p.Arg895Trp). This variant is not present in population databases (gnomAD no frequency). This variant has not been reported in the literature in individuals affected with RTEL1-related conditions. ClinVar contains an entry for this variant (Variation ID: 2180576). An algorithm developed to predict the effect of missense changes on protein structure and function (PolyPhen-2) suggests that this variant is likely to be disruptive. In summary, the available evidence is currently insufficient to determine the role of this variant in disease. Therefore, it has been classified as a Variant of Uncertain Significance.

NM_001283009.2(RTEL1):c.2683A>T (p.Arg895Trp)

Genes: RTEL1 (regulator of telomere elongation helicase 1; plus strand), RTEL1-TNFRSF6B (RTEL1-TNFRSF6B readthrough (NMD candidate); plus strand). Cytogenetic location: 20q13.33.
Variant type: single nucleotide variant.
Coding change: c.2683A>T on transcript NM_001283009.2 (MANE Select); coding-DNA position 2683, A replaced by T.
Protein change: p.Arg895Trp; replaces arginine 895 with tryptophan.
Molecular consequence: missense variant. On other transcripts: non-coding transcript variant (1).
Genome position (GRCh38, 1-based): chr20:63,692,835, A>T. VCF-style: chr20-63692835-A-T. GRCh37 (hg19) VCF-style: chr20-62324188-A-T.
Other names: c.2014A>T, p.Arg672Trp (NM_001283010.1); c.2683A>T, p.Arg895Trp (NM_016434.4); c.2755A>T, p.Arg919Trp (NM_032957.5); short protein forms R672W, R895W, R919W.
Identifiers: ClinVar variation 2180576 (VCV002180576.5), dbSNP rs2090785759, ClinGen allele CA409682830.